The following is an entry in ClinVar:

NM_005708.5(GPC6):c.14_15inv (p.Ile5Arg)

Gene: GPC6 (glypican 6; plus strand). Cytogenetic location: 13q31.3.
Variant type: Inversion.
Coding change: c.14_15inv on transcript NM_005708.5 (MANE Select).
Protein change: p.Ile5Arg; replaces isoleucine 5 with arginine.
Molecular consequence: missense variant.
Genome position: GRCh38 VCF-style: chr13-93227470-TC-GA. GRCh37 (hg19) VCF-style: chr13-93879723-TC-GA.
Other names: short protein forms I5R.
Identifiers: ClinVar variation 1025950 (VCV001025950.6), ClinGen allele CA2499222517.

ClinVar aggregate classification (germline): Uncertain significance (1 of 4 stars; one submission).

Submission:

Labcorp Genetics (formerly Invitae), Labcorp
Classification: Uncertain significance. Last evaluated: 2022-07-27. Review status: criteria provided, single submitter. Criteria: Invitae Variant Classification Sherloc (09022015). Collection method: clinical testing. Allele origin: germline.
Comment: This variant, c.14_15delinsGA, is a complex sequence change that results in the deletion of isoleucine and insertion of arginine amino acid(s) in the GPC6 protein (p.Ile5Arg). This variant is present in population databases (no rsID available, gnomAD 0.5%). This variant has not been reported in the literature in individuals affected with GPC6-related conditions. ClinVar contains an entry for this variant (Variation ID: 1025950). Algorithms developed to predict the effect of missense changes on protein structure and function are either unavailable or do not agree on the potential impact of this missense change (SIFT: "Not Available"; PolyPhen-2: "Benign"; Align-GVGD: "Not Available"). In summary, the available evidence is currently insufficient to determine the role of this variant in disease. Therefore, it has been classified as a Variant of Uncertain Significance.